The following is an entry in ClinVar:

ClinVar aggregate classification (germline): Likely pathogenic (1 of 4 stars; one submission).

Conditions:
Charlevoix-Saguenay spastic ataxia (SACS). Also called: AUTOSOMAL RECESSIVE SPASTIC ATAXIA OF CHARLEVOIX-SAGUENAY; Spastic ataxia of Charlevoix-Saguenay; SPASTIC ATAXIA 6, AUTOSOMAL RECESSIVE. Identifiers: Orphanet 98, MedGen C1849140, MONDO:0010041, OMIM 270550.

Submission:

Natera, Inc.
Classification: Likely pathogenic for Charlevoix-Saguenay type spastic ataxia. Last evaluated: 2025-09-03. Review status: criteria provided, single submitter. Criteria: Natera Variant Classification Schema (03/2026). Collection method: clinical testing. Allele origin: germline.
Comment: The c.986_987del variant in SACS is a frameshift variant predicted to shift the reading frame beginning at codon 329 and leads to a stop codon 3 codons downstream. This variant is expected to result in nonsense mediated decay, truncation, or a dysfunctional protein product. This variant is rare in the general population with a frequency below the threshold expected for the associated phenotype(s). Given the available evidence, this variant is classified as Likely Pathogenic.

NM_014363.6(SACS):c.986_987del (p.Leu329fs)

Gene: SACS (sacsin molecular chaperone; minus strand). Cytogenetic location: 13q12.12.
Variant type: Deletion.
Coding change: c.986_987del on transcript NM_014363.6 (MANE Select); coding-DNA positions 986 to 987, 2 bases deleted (TG; older notation c.986_987delTG).
Protein change: p.Leu329fs; shifts the reading frame from leucine 329.
Molecular consequence: frameshift variant.
Genome position (GRCh38, 1-based): chr13:23,355,625-23,355,626, CA deleted on the plus strand (TG on the coding strand, the reverse complement: SACS is on the minus strand). VCF-style (leftmost placement, unchanged base first): chr13-23355624-CCA-C. GRCh37 (hg19) VCF-style: chr13-23929763-CCA-C.
Other names: c.545_546del, p.Leu182fs (NM_001278055.2); c.986_987del, p.Leu329fs (NM_001437336.1); short protein forms L182fs, L329fs.
Identifiers: ClinVar variation 4815721 (VCV004815721.1).